The following is an entry in ClinVar:

NM_001371279.1(REEP1):c.131T>C (p.Ile44Thr)

Gene: REEP1 (receptor accessory protein 1; minus strand). Cytogenetic location: 2p11.2.
Variant type: single nucleotide variant.
Coding change: c.131T>C on transcript NM_001371279.1 (MANE Select); coding-DNA position 131, T replaced by C.
Protein change: p.Ile44Thr; replaces isoleucine 44 with threonine.
Molecular consequence: missense variant.
Genome position (GRCh38, 1-based): chr2:86,264,016, A>G on the plus strand (T>C on the coding strand, the complement: REEP1 is on the minus strand). VCF-style: chr2-86264016-A-G. GRCh37 (hg19) VCF-style: chr2-86491139-A-G.
Other names: c.152T>C, p.Ile51Thr (NM_001164730.2); c.50T>C, p.Ile17Thr (NM_001164731.2); c.131T>C, p.Ile44Thr (NM_001164732.2, NM_001371280.1, NM_001410855.1 and 2 more transcripts); short protein forms I17T, I44T, I51T.
Identifiers: ClinVar variation 1721250 (VCV001721250.5), dbSNP rs2468890818, ClinGen allele CA347720067.

ClinVar aggregate classification (germline): Uncertain significance (1 of 4 stars; one submission).

Conditions:
Hereditary spastic paraplegia 31. Also called: SPASTIC PARAPLEGIA 31, AUTOSOMAL DOMINANT. Identifiers: Orphanet 101011, MedGen C1853247, MONDO:0012453, OMIM 610250.

Allele frequency attached by ClinVar (database versions not stated): gnomAD exomes below 0.00001.
gnomAD v4.1: 1 of 1,613,698 alleles (0.000062%); highest among the groups gnomAD compares: Non-Finnish European, 0.000085%; no homozygotes.

Submission:

Labcorp Genetics (formerly Invitae), Labcorp
Classification: Uncertain significance for Hereditary spastic paraplegia 31. Last evaluated: 2022-10-08. Review status: criteria provided, single submitter. Criteria: Invitae Variant Classification Sherloc (09022015). Collection method: clinical testing. Allele origin: germline.
Comment: In summary, the available evidence is currently insufficient to determine the role of this variant in disease. Therefore, it has been classified as a Variant of Uncertain Significance. Algorithms developed to predict the effect of missense changes on protein structure and function are either unavailable or do not agree on the potential impact of this missense change (SIFT: "Deleterious"; PolyPhen-2: "Benign"; Align-GVGD: "Class C25"). This variant has not been reported in the literature in individuals affected with REEP1-related conditions. This variant is not present in population databases (gnomAD no frequency). This sequence change replaces isoleucine, which is neutral and non-polar, with threonine, which is neutral and polar, at codon 44 of the REEP1 protein (p.Ile44Thr).